The following is an entry in ClinVar:

ClinVar aggregate classification (germline): Uncertain significance (1 of 4 stars; one submission).

Conditions:
Cohen syndrome (COH1). Also called: PEPPER SYNDROME; Cutis verticis gyrata, retinitis pigmentosa, and sensorineural deafness. Identifiers: Orphanet 193, MedGen C0265223, MONDO:0008999, OMIM 216550.

Allele frequency attached by ClinVar (database versions not stated): gnomAD exomes below 0.00001.

Submission:

Labcorp Genetics (formerly Invitae), Labcorp
Classification: Uncertain significance for Cohen syndrome. Last evaluated: 2025-11-25. Review status: criteria provided, single submitter. Criteria: Invitae Variant Classification Sherloc (09022015). Collection method: clinical testing. Allele origin: germline.
Comment: This sequence change replaces methionine, which is neutral and non-polar, with valine, which is neutral and non-polar, at codon 1233 of the VPS13B protein (p.Met1233Val). This variant is present in population databases (no rsID available, gnomAD 0.01%). This variant has not been reported in the literature in individuals affected with VPS13B-related conditions. ClinVar contains an entry for this variant (Variation ID: 2140557). Invitae Evidence Modeling of protein sequence and biophysical properties (such as structural, functional, and spatial information, amino acid conservation, physicochemical variation, residue mobility, and thermodynamic stability) indicates that this missense variant is expected to disrupt VPS13B protein function with a positive predictive value of 80%. In summary, the available evidence is currently insufficient to determine the role of this variant in disease. Therefore, it has been classified as a Variant of Uncertain Significance.

NM_152564.5(VPS13B):c.3697A>G (p.Met1233Val)

Gene: VPS13B (vacuolar protein sorting 13 homolog B; plus strand). Cytogenetic location: 8q22.2.
Variant type: single nucleotide variant.
Coding change: c.3697A>G on transcript NM_152564.5 (MANE Select); coding-DNA position 3697, A replaced by G.
Protein change: p.Met1233Val; replaces methionine 1233 with valine.
Molecular consequence: missense variant.
Genome position (GRCh38, 1-based): chr8:99,481,629, A>G. VCF-style: chr8-99481629-A-G. GRCh37 (hg19) VCF-style: chr8-100493857-A-G.
Other names: c.3697A>G, p.Met1233Val (NM_017890.5); short protein forms M1233V.
Identifiers: ClinVar variation 2140557 (VCV002140557.2), dbSNP rs1230544969, ClinGen allele CA371866701.